The following is an entry in ClinVar:

ClinVar aggregate classification (germline): Uncertain significance. Review status: criteria provided, multiple submitters, no conflicts (2 of 4 stars). 2 submissions from 2 submitters: Uncertain significance (2). Last evaluated 2025-11-26.

Conditions:
Hereditary cancer-predisposing syndrome. Also called: Hereditary neoplastic syndrome; Hereditary Cancer Syndrome; Tumor predisposition; Neoplastic Syndromes, Hereditary. Identifiers: Orphanet 140162, MedGen C0027672, MeSH D009386, MONDO:0015356.

Submissions (2):

Labcorp Genetics (formerly Invitae), Labcorp
Classification: Uncertain significance. Last evaluated: 2025-11-26. Review status: criteria provided, single submitter. Criteria: Invitae Variant Classification Sherloc (09022015). Collection method: clinical testing. Allele origin: germline.
Comment: This sequence change replaces methionine, which is neutral and non-polar, with isoleucine, which is neutral and non-polar, at codon 9 of the NTHL1 protein (p.Met9Ile). This variant is not present in population databases (gnomAD no frequency). This variant has not been reported in the literature in individuals affected with NTHL1-related conditions. ClinVar contains an entry for this variant (Variation ID: 1522889). An algorithm developed to predict the effect of missense changes on protein structure and function (PolyPhen-2) suggests that this variant is likely to be tolerated. In summary, the available evidence is currently insufficient to determine the role of this variant in disease. Therefore, it has been classified as a Variant of Uncertain Significance.

Ambry Genetics
Classification: Uncertain significance for Hereditary cancer-predisposing syndrome. Last evaluated: 2025-05-31. Review status: criteria provided, single submitter. Criteria: Ambry Variant Classification Scheme 2023. Collection method: clinical testing. Allele origin: germline.
Comment: The p.M9I variant (also known as c.27G>A), located in coding exon 1 of the NTHL1 gene, results from a G to A substitution at nucleotide position 27. The methionine at codon 9 is replaced by isoleucine, an amino acid with highly similar properties. This amino acid position is conserved. In addition, this alteration is predicted to be tolerated by in silico analysis. Based on the available evidence, the clinical significance of this variant remains unclear.

NM_002528.7(NTHL1):c.3G>A (p.Met1Ile)

Gene: NTHL1 (nth like DNA glycosylase 1; minus strand). Cytogenetic location: 16p13.3.
Variant type: single nucleotide variant.
Coding change: c.3G>A on transcript NM_002528.7 (MANE Select); coding-DNA position 3, G replaced by A.
Protein change: p.Met1Ile; changes the start codon (methionine 1).
Molecular consequence: missense variant, initiator codon variant. On other transcripts: 5 prime UTR variant (1).
Genome position (GRCh38, 1-based): chr16:2,047,821, C>T on the plus strand (G>A on the coding strand, the complement: NTHL1 is on the minus strand). VCF-style: chr16-2047821-C-T. GRCh37 (hg19) VCF-style: chr16-2097822-C-T.
Other names: c.27G>A (NM_002528.5); c.3G>A, p.Met1Ile (NM_001318193.2); c.-176G>A (NM_001318194.2); short protein forms M1I.
Identifiers: ClinVar variation 1522889 (VCV001522889.9), dbSNP rs2150958900, ClinGen allele CA394298719.
Genomic context (GRCh38, chr16:2,047,821, plus strand): 5'-CGGCCCAGCCCCGGGTCCCAGGCTCCGGCTCCGGGTCAGCATCCTCGCGCTCAAGGCGGT[C>T]ATGCCGGACTCCTGCGGACTACACATCCCGGCGGCCCATGCGGCCCCGTCACGTGATGCA-3'
Protein context (NP_002519.2, residues 1-11): [Met1Ile]TALSARMLTR